The following is an entry in ClinVar:

ClinVar aggregate classification (germline): Uncertain significance (1 of 4 stars; one submission).

Conditions:
Acyl-CoA oxidase deficiency. Also called: STRAIGHT-CHAIN ACYL-CoA OXIDASE DEFICIENCY; Pseudoneonatal adrenoleukodystrophy; Peroxisomal acyl-CoA oxidase deficiency. Identifiers: Orphanet 2971, MedGen C1849678, MONDO:0009919, OMIM 264470. Disease mechanism: loss of function.

Allele frequency attached by ClinVar (database versions not stated): ExAC 0.00001; gnomAD exomes 0.00001.
gnomAD v4.1: 6 of 1,614,106 alleles (0.00037%); no homozygotes.

Submission:

Labcorp Genetics (formerly Invitae), Labcorp
Classification: Uncertain significance for Acyl-CoA oxidase deficiency. Last evaluated: 2022-07-18. Review status: criteria provided, single submitter. Criteria: Invitae Variant Classification Sherloc (09022015). Collection method: clinical testing. Allele origin: germline.
Comment: This sequence change replaces proline, which is neutral and non-polar, with serine, which is neutral and polar, at codon 217 of the ACOX1 protein (p.Pro217Ser). This variant is present in population databases (rs754549568, gnomAD 0.009%). This variant has not been reported in the literature in individuals affected with ACOX1-related conditions. ClinVar contains an entry for this variant (Variation ID: 1510597). Algorithms developed to predict the effect of missense changes on protein structure and function are either unavailable or do not agree on the potential impact of this missense change (SIFT: "Tolerated"; PolyPhen-2: "Possibly Damaging"; Align-GVGD: "Class C0"). In summary, the available evidence is currently insufficient to determine the role of this variant in disease. Therefore, it has been classified as a Variant of Uncertain Significance.

NM_004035.7(ACOX1):c.649C>T (p.Pro217Ser)

Gene: ACOX1 (acyl-CoA oxidase 1; minus strand). Cytogenetic location: 17q25.1.
Variant type: single nucleotide variant.
Coding change: c.649C>T on transcript NM_004035.7 (MANE Select); coding-DNA position 649, C replaced by T.
Protein change: p.Pro217Ser; replaces proline 217 with serine.
Molecular consequence: missense variant.
Genome position (GRCh38, 1-based): chr17:75,955,837, G>A on the plus strand (C>T on the coding strand, the complement: ACOX1 is on the minus strand). VCF-style: chr17-75955837-G-A. GRCh37 (hg19) VCF-style: chr17-73951918-G-A.
Other names: c.535C>T, p.Pro179Ser (NM_001185039.2); c.649C>T, p.Pro217Ser (NM_007292.6); short protein forms P179S, P217S.
Identifiers: ClinVar variation 1510597 (VCV001510597.3), dbSNP rs754549568, ClinGen allele CA8776965.